The following is an entry in ClinVar:

NM_001018005.2(TPM1):c.104G>C (p.Arg35Thr)

Gene: TPM1 (tropomyosin 1; plus strand). Cytogenetic location: 15q22.2.
Variant type: single nucleotide variant.
Coding change: c.104G>C on transcript NM_001018005.2 (MANE Select); coding-DNA position 104, G replaced by C.
Protein change: p.Arg35Thr; replaces arginine 35 with threonine.
Molecular consequence: missense variant.
Genome position (GRCh38, 1-based): chr15:63,042,933, G>C. VCF-style: chr15-63042933-G-C. GRCh37 (hg19) VCF-style: chr15-63335132-G-C.
Other names: p.R35T:AGG>ACG; c.104G>C, p.Arg35Thr (NM_000366.6, NM_001018004.2, NM_001018006.2 and 7 more transcripts); short protein forms R35T.
Identifiers: ClinVar variation 181679 (VCV000181679.7), dbSNP rs730881152, ClinGen allele CA018569.

ClinVar aggregate classification (germline): Uncertain significance. Review status: criteria provided, multiple submitters, no conflicts (2 of 4 stars). 3 submissions from 3 submitters: Uncertain significance (3). Last evaluated 2024-11-15.

Conditions:
Hypertrophic cardiomyopathy. Also called: HYPERTROPHIC MYOCARDIOPATHY. Identifiers: Orphanet 217569, MedGen C0007194, MeSH D002312, MONDO:0005045, HP:0001639.

Allele frequency attached by ClinVar (database versions not stated): TOPMed below 0.00001; gnomAD 0.00001.
gnomAD v4.1: 1 of 1,599,846 alleles (0.000063%); highest among the groups gnomAD compares: Non-Finnish European, 0.000085%; no homozygotes.

Submissions (3):

Women's Health and Genetics/Laboratory Corporation of America, LabCorp
Classification: Uncertain significance. Last evaluated: 2024-11-15. Review status: criteria provided, single submitter. Criteria: LabCorp Variant Classification Summary - May 2015. Collection method: clinical testing. Allele origin: germline.

Labcorp Genetics (formerly Invitae), Labcorp
Classification: Uncertain significance for Hypertrophic cardiomyopathy. Last evaluated: 2021-08-03. Review status: criteria provided, single submitter. Criteria: Invitae Variant Classification Sherloc (09022015). Collection method: clinical testing. Allele origin: germline.
Comment: ClinVar contains an entry for this variant (Variation ID: 181679). This variant has not been reported in the literature in individuals affected with TPM1-related conditions. This variant is not present in population databases (ExAC no frequency). This sequence change replaces arginine with threonine at codon 35 of the TPM1 protein (p.Arg35Thr). The arginine residue is highly conserved and there is a moderate physicochemical difference between arginine and threonine. In summary, the available evidence is currently insufficient to determine the role of this variant in disease. Therefore, it has been classified as a Variant of Uncertain Significance. Algorithms developed to predict the effect of missense changes on protein structure and function are either unavailable or do not agree on the potential impact of this missense change (SIFT: "Deleterious"; PolyPhen-2: "Benign"; Align-GVGD: "Class C0").

GeneDx
Classification: Uncertain significance. Last evaluated: 2014-05-05. Review status: criteria provided, single submitter. Criteria: GeneDx Variant Classification (06012015). Collection method: clinical testing. Allele origin: germline. Affected: yes.
Comment: A variant of unknown significance has been identified in the TPM1 gene. The R35T variant has not been published as a mutation or as a benign polymorphism to our knowledge. The R35T variant was not observed in approximately 6,500 individuals of European and African American ancestry in the NHLBI Exome Sequencing Project, indicating it is not a common benign variant in these populations. The R35T variant is a semi-conservative amino acid substitution, which may impact secondary protein structure as these residues differ in some properties. This substitution occurs at a position that is conserved across species. Missense mutations in nearby residues (K37E and E40K) have been reported in association with cardiomyopathy, supporting the functional importance of this region of the protein. However, in silico analysis is inconsistent in its predictions as to whether or not the variant is damaging to the protein structure/function. Therefore, based on the currently available information, it is unclear whether this variant is a pathogenic mutation or a rare benign variant. The variant is found in HCM panel(s).